The following is an entry in ClinVar:

ClinVar aggregate classification (germline): Uncertain significance (1 of 4 stars; one submission).

Conditions:
Cardiac arrhythmia. Also called: Cardiac rhythm disease; Arrhythmia. Identifiers: MedGen C0003811, MONDO:0007263, HP:0011675.

Submission:

Color Diagnostics, LLC DBA Color Health
Classification: Uncertain significance for Cardiac arrhythmia. Last evaluated: 2019-11-15. Review status: criteria provided, single submitter. Criteria: ACMG Guidelines, 2015. Collection method: clinical testing. Allele origin: germline.
Comment: This variant causes a deletion of 2 nucleotides in intron 11 of the KCNH2 gene. Splice site prediction tools and conservation analysis are inconclusive regarding the impact of this variant on RNA splicing. To our knowledge, functional studies have not been performed for this variant. This variant has not been reported in individuals affected with cardiovascular disorders in the literature. This variant has not been identified in the general population by the Genome Aggregation Database (gnomAD). The available evidence is insufficient to determine the role of this variant in disease conclusively. Therefore, this variant is classified as a Variant of Uncertain Significance.

NM_000238.4(KCNH2):c.2693-13_2693-12del

Gene: KCNH2 (potassium voltage-gated channel subfamily H member 2; minus strand). Cytogenetic location: 7q36.1.
Variant type: Microsatellite.
Coding change: c.2693-13_2693-12del on transcript NM_000238.4 (MANE Select); 13 bases into the intron before coding-DNA position 2693 through 12 bases into the intron before coding-DNA position 2693, 2 bases deleted (CT; older notation c.2693-13_2693-12delCT).
Molecular consequence: intron variant.
Genome position (GRCh38, 1-based): chr7:150,947,890-150,947,891, AG deleted on the plus strand (CT on the coding strand, the reverse complement: KCNH2 is on the minus strand); deleting any 2 consecutive bases within chr7:150,947,890-150,947,894 gives the same sequence; the c. name uses the placement nearest the transcript's 3' end. VCF-style (leftmost placement, unchanged base first): chr7-150947889-CAG-C. GRCh37 (hg19) VCF-style: chr7-150644977-CAG-C.
Other names: c.1673-13_1673-12del (NM_172057.3).
Identifiers: ClinVar variation 919461 (VCV000919461.5), dbSNP rs1800976948, ClinGen allele CA1108704806.
Genomic context (GRCh38, chr7:150,947,889, plus strand): 5'-CCCCGCCCGGCCCGGCCCCAAGGCCGACACCTCCCCTGGCTGCTCCGTGTCTGTGGGAAA[CAG>C]AGAATGGGCCTCAGAGAGGGGAGGAGAACAGAGAGGAGGGGGCGAGGGTGGAGGAGGGGA-3'